The following is an entry in ClinVar:

ClinVar aggregate classification (germline): Uncertain significance (1 of 4 stars; one submission).

Submission:

GeneDx
Classification: Uncertain significance. Last evaluated: 2024-03-08. Review status: criteria provided, single submitter. Criteria: GeneDx Variant Classification Process June 2021. Collection method: clinical testing. Allele origin: germline. Affected: yes.
Comment: Not observed in large population cohorts (gnomAD); Nonsense variant predicted to result in protein truncation or nonsense mediated decay in a gene for which loss-of-function is not a known mechanism of disease; Has not been previously published as pathogenic or benign to our knowledge

NM_000812.4(GABRB1):c.807T>G (p.Tyr269Ter)

Gene: GABRB1 (gamma-aminobutyric acid type A receptor subunit beta1; plus strand). Cytogenetic location: 4p12.
Variant type: single nucleotide variant.
Coding change: c.807T>G on transcript NM_000812.4 (MANE Select); coding-DNA position 807, T replaced by G.
Protein change: p.Tyr269Ter; replaces tyrosine 269 with a stop codon.
Molecular consequence: nonsense.
Genome position (GRCh38, 1-based): chr4:47,403,683, T>G. VCF-style: chr4-47403683-T-G. GRCh37 (hg19) VCF-style: chr4-47405700-T-G.
Other names: short protein forms Y269*.
Identifiers: ClinVar variation 3253004 (VCV003253004.1), dbSNP rs2475460821.
Genomic context (GRCh38, chr4:47,403,683, plus strand): 5'-AACCTACATGCCTTCTACACTGATTACAATTCTGTCCTGGGTGTCTTTTTGGATCAACTA[T>G]GATGCATCTGCAGCCAGAGTCGCACTAGGTAATACATTCTCAGCACTGCAGAGAGCTAAC-3'